The following is an entry in ClinVar:

NM_001319074.4(RAX2):c.1A>G (p.Met1Val)

Gene: RAX2 (retina and anterior neural fold homeobox 2; minus strand). Cytogenetic location: 19p13.3.
Variant type: single nucleotide variant.
Coding change: c.1A>G on transcript NM_001319074.4 (MANE Select); coding-DNA position 1, A replaced by G.
Protein change: p.Met1Val; changes the start codon (methionine 1).
Molecular consequence: missense variant, initiator codon variant.
Genome position (GRCh38, 1-based): chr19:3,771,742, T>C on the plus strand (A>G on the coding strand, the complement: RAX2 is on the minus strand). VCF-style: chr19-3771742-T-C. GRCh37 (hg19) VCF-style: chr19-3771740-T-C.
Other names: c.1A>G, p.Met1Val (NM_032753.4); short protein forms M1V.
Identifiers: ClinVar variation 4779831 (VCV004779831.1).

ClinVar aggregate classification (germline): Pathogenic (1 of 4 stars; one submission).

Submission:

Labcorp Genetics (formerly Invitae), Labcorp
Classification: Pathogenic. Last evaluated: 2025-02-13. Review status: criteria provided, single submitter. Criteria: Invitae Variant Classification Sherloc (09022015). Collection method: clinical testing. Allele origin: germline.
Comment: This sequence change affects the initiator methionine of the RAX2 mRNA. The next in-frame methionine is located at codon 114. The frequency data for this variant in the population databases is considered unreliable, as metrics indicate poor data quality at this position in the gnomAD database. This variant has not been reported in the literature in individuals affected with RAX2-related conditions. This variant disrupts a region of the RAX2 protein in which other variant(s) (p.Pro52Arg) have been determined to be pathogenic (PMID: 30377383; internal data). This suggests that this is a clinically significant region of the protein, and that variants that disrupt it are likely to be disease-causing. For these reasons, this variant has been classified as Pathogenic.

Literature cited by the submitters: PubMed 30377383.